The following is an entry in ClinVar:

ClinVar aggregate classification (germline): Uncertain significance (0 of 4 stars; one submission).

Conditions:
Microcephaly and chorioretinopathy 1. Also called: Microcephaly and chorioretinopathy, autosomal recessive, 1. Identifiers: MedGen C3278481, MONDO:0009624, OMIM 251270.

Submission:

Foundation for Research in Genetics and Endocrinology, FRIGE's Institute of Human Genetics
Classification: Uncertain significance for Microcephaly and chorioretinopathy 1. Last evaluated: 2017-02-16. Review status: no assertion criteria provided. Collection method: clinical testing. Allele origin: germline. Inheritance: Autosomal recessive inheritance. Affected: yes. Observed: 1 variant allele, 1 compound heterozygote.
Comment: The c.3139C>T(p.Arg1047Trp) variant has been reported in the dpSNP database with an identification number rs538652140 and in ExAC database with allele frequency of 0.04% in South Asian population; however, no homozygosity has been reported. The in silico prediction of this variant is probably damaging by SIFT and PolyPhen2 and benign by LRT, MutationTaster, Mutation Assessor and FATHMM. The c.5149G>A (p.Ala1714Thr) has been reported in ExAC database as a rare variant in South Asian population with allele frequency of 0.04%; however, no homozygosity has been reported. The in silico prediction of this variant is probably damaging by MutationTaster, PolyPhen-2 and Mutation Assessor and benign by SIFT, LRT and FATHMM.

NM_020461.3(TUBGCP6):c.[3139C>T];[5140G>A]

Variant type: CompoundHeterozygote.
Identifiers: ClinVar variation 444003 (VCV000444003.1).